The following is an entry in ClinVar:

NM_002474.3(MYH11):c.3804C>T (p.Cys1268=)

Gene: MYH11 (myosin heavy chain 11; minus strand). Cytogenetic location: 16p13.11.
Variant type: single nucleotide variant.
Coding change: c.3804C>T on transcript NM_002474.3 (MANE Select); coding-DNA position 3804, C replaced by T.
Protein change: p.Cys1268=; no amino-acid change (cysteine 1268 retained).
Molecular consequence: synonymous variant.
Genome position (GRCh38, 1-based): chr16:15,726,902, G>A on the plus strand (C>T on the coding strand, the complement: MYH11 is on the minus strand). VCF-style: chr16-15726902-G-A. GRCh37 (hg19) VCF-style: chr16-15820759-G-A.
Other names: c.3825C>T, p.Cys1275= (NM_001040113.2, NM_001040114.2); c.3804C>T, p.Cys1268= (NM_022844.3).
Identifiers: ClinVar variation 1172442 (VCV001172442.3), dbSNP rs2151225287, ClinGen allele CA493765803.
Genomic context (GRCh38, chr16:15,726,902, plus strand): 5'-CCTCACCTGCAGCTTGTGGACTTTGTCATTGAGCTCCGCCCGGGCCCGCTCCCCATCGCT[G>A]CACTTGGACTGCAGCTCCTGCACCTGCGCCTCCAGCTTCTTCTTCTTATGTTCCACCTCC-3'
Protein context (NP_002465.1, residues 1258-1278): EAQVQELQSK[Cys1268=]SDGERARAEL

ClinVar aggregate classification (germline): Likely benign. Review status: criteria provided, multiple submitters, no conflicts (2 of 4 stars). 2 submissions from 2 submitters: Likely benign (2). Last evaluated 2024-01-11.

Conditions:
Familial thoracic aortic aneurysm and aortic dissection (TAAD). Also called: Thoracic aortic aneurysms and dissections. Identifiers: Orphanet 91387, MedGen C4707243, MONDO:0019625.

gnomAD v4.1: 2 of 1,612,626 alleles (0.00012%); highest among the groups gnomAD compares: Non-Finnish European, 0.00017%; no homozygotes.

Submissions (2):

All of Us Research Program, National Institutes of Health
Classification: Likely benign for Familial thoracic aortic aneurysm and aortic dissection. Last evaluated: 2024-01-11. Review status: criteria provided, single submitter. Criteria: ACMG Guidelines, 2015. Collection method: clinical testing. Allele origin: germline. Inheritance: Autosomal dominant inheritance. Observed: 2 variant alleles, 2 heterozygotes.
Comment: This study involves interpretation of variants in research participants for the purpose of population health screening. Participant phenotype was not available at the time of variant classification. Additional details can be found in publication PMID: 35346344, PMCID: PMC8962531

Color Diagnostics, LLC DBA Color Health
Classification: Likely benign for Familial thoracic aortic aneurysm and aortic dissection. Last evaluated: 2020-11-23. Review status: criteria provided, single submitter. Criteria: ACMG Guidelines, 2015. Collection method: clinical testing. Allele origin: germline.